The following is an entry in ClinVar:

ClinVar aggregate classification (germline): Uncertain significance (1 of 4 stars; one submission).

Allele frequency attached by ClinVar (database versions not stated): gnomAD exomes below 0.00001.
gnomAD v4.1: 1 of 1,609,616 alleles (0.000062%); highest among the groups gnomAD compares: South Asian, 0.0011%; no homozygotes.

Submission:

Labcorp Genetics (formerly Invitae), Labcorp
Classification: Uncertain significance. Last evaluated: 2026-02-02. Review status: criteria provided, single submitter. Criteria: Invitae Variant Classification Sherloc (09022015). Collection method: clinical testing. Allele origin: germline.
Comment: This sequence change replaces serine, which is neutral and polar, with asparagine, which is neutral and polar, at codon 1588 of the PCLO protein (p.Ser1588Asn). This variant is not present in population databases (gnomAD no frequency). This variant has not been reported in the literature in individuals affected with PCLO-related conditions. ClinVar contains an entry for this variant (Variation ID: 1375746). Experimental studies and prediction algorithms are not available or were not evaluated, and the functional significance of this variant is currently unknown. In summary, the available evidence is currently insufficient to determine the role of this variant in disease. Therefore, it has been classified as a Variant of Uncertain Significance.

NM_033026.6(PCLO):c.4763G>A (p.Ser1588Asn)

Gene: PCLO (piccolo presynaptic cytomatrix protein; minus strand). Cytogenetic location: 7q21.11.
Variant type: single nucleotide variant.
Coding change: c.4763G>A on transcript NM_033026.6 (MANE Select); coding-DNA position 4763, G replaced by A.
Protein change: p.Ser1588Asn; replaces serine 1588 with asparagine.
Molecular consequence: missense variant.
Genome position (GRCh38, 1-based): chr7:82,956,190, C>T on the plus strand (G>A on the coding strand, the complement: PCLO is on the minus strand). VCF-style: chr7-82956190-C-T. GRCh37 (hg19) VCF-style: chr7-82585506-C-T.
Other names: c.4763G>A, p.Ser1588Asn (NM_014510.3); short protein forms S1588N.
Identifiers: ClinVar variation 1375746 (VCV001375746.6), dbSNP rs2115573561, ClinGen allele CA367926034.